The following is an entry in ClinVar:

ClinVar aggregate classification (germline): Uncertain significance. Review status: criteria provided, multiple submitters, no conflicts (2 of 4 stars). 2 submissions from 2 submitters: Uncertain significance (2). Last evaluated 2022-12-02.

Conditions:
Facioscapulohumeral muscular dystrophy 2 (FSHD2). Also called: FACIOSCAPULOHUMERAL MUSCULAR DYSTROPHY 2, DIGENIC; FSHD2, DIGENIC; MUSCULAR DYSTROPHY, FACIOSCAPULOHUMERAL, TYPE 1B. Identifiers: Orphanet 269, MedGen C1834671, MONDO:0008031, OMIM 158901.

Submissions (2):

Labcorp Genetics (formerly Invitae), Labcorp
Classification: Uncertain significance for Facioscapulohumeral muscular dystrophy 2. Last evaluated: 2022-12-02. Review status: criteria provided, single submitter. Criteria: Invitae Variant Classification Sherloc (09022015). Collection method: clinical testing. Allele origin: germline.
Comment: In summary, the available evidence is currently insufficient to determine the role of this variant in disease. Therefore, it has been classified as a Variant of Uncertain Significance. Advanced modeling of protein sequence and biophysical properties (such as structural, functional, and spatial information, amino acid conservation, physicochemical variation, residue mobility, and thermodynamic stability) performed at Invitae indicates that this missense variant is expected to disrupt SMCHD1 protein function. ClinVar contains an entry for this variant (Variation ID: 1693714). This variant has not been reported in the literature in individuals affected with SMCHD1-related conditions. This variant is not present in population databases (gnomAD no frequency). This sequence change replaces phenylalanine, which is neutral and non-polar, with leucine, which is neutral and non-polar, at codon 631 of the SMCHD1 protein (p.Phe631Leu).

Mayo Clinic Laboratories, Mayo Clinic
Classification: Uncertain significance. Last evaluated: 2022-01-03. Review status: criteria provided, single submitter. Criteria: ACMG Guidelines, 2015. Collection method: clinical testing. Allele origin: germline.

NM_015295.3(SMCHD1):c.1891T>C (p.Phe631Leu)

Gene: SMCHD1 (structural maintenance of chromosomes flexible hinge domain containing 1; plus strand). Cytogenetic location: 18p11.32.
Variant type: single nucleotide variant.
Coding change: c.1891T>C on transcript NM_015295.3 (MANE Select); coding-DNA position 1891, T replaced by C.
Protein change: p.Phe631Leu; replaces phenylalanine 631 with leucine.
Molecular consequence: missense variant.
Genome position (GRCh38, 1-based): chr18:2,705,742, T>C. VCF-style: chr18-2705742-T-C. GRCh37 (hg19) VCF-style: chr18-2705740-T-C.
Other names: p.Phe631Leu; short protein forms F631L.
Identifiers: ClinVar variation 1693714 (VCV001693714.7), dbSNP rs2143233975, ClinGen allele CA401679577.